The following is an entry in ClinVar:

NM_001035.3(RYR2):c.11503T>G (p.Phe3835Val)

Gene: RYR2 (ryanodine receptor 2; plus strand). Cytogenetic location: 1q43.
Variant type: single nucleotide variant.
Coding change: c.11503T>G on transcript NM_001035.3 (MANE Select); coding-DNA position 11503, T replaced by G.
Protein change: p.Phe3835Val; replaces phenylalanine 3835 with valine.
Molecular consequence: missense variant.
Genome position (GRCh38, 1-based): chr1:237,770,833, T>G. VCF-style: chr1-237770833-T-G. GRCh37 (hg19) VCF-style: chr1-237934133-T-G.
Other names: short protein forms F3835V.
Identifiers: ClinVar variation 2145348 (VCV002145348.4), dbSNP rs1694211408, ClinGen allele CA345406675.
Genomic context (GRCh38, chr1:237,770,833, plus strand): 5'-CTGGTAATGTTTGATCCCTCTGGATTTCCCACAGGAGAAAAGGTTCTGCAGGACGATGAG[T>G]TCACCTGTGACCTCTTCCGATTCCTGCAACTACTCTGTGAGGGACACAACTCAGGTTTGT-3'
Protein context (NP_001026.2, residues 3825-3845): SGEKVLQDDE[Phe3835Val]TCDLFRFLQL

ClinVar aggregate classification (germline): Uncertain significance (1 of 4 stars; one submission).

Conditions:
Catecholaminergic polymorphic ventricular tachycardia 1. Also called: VENTRICULAR TACHYCARDIA, STRESS-INDUCED POLYMORPHIC 1; RYR2-Related Catecholaminergic Polymorphic Ventricular Tachycardia; VENTRICULAR TACHYCARDIA, CATECHOLAMINERGIC POLYMORPHIC, 1, WITH OR WITHOUT ATRIAL DYSFUNCTION AND/OR DILATED CARDIOMYOPATHY. Identifiers: Orphanet 3286, MedGen C1631597, MONDO:0011484, OMIM 604772.

Submission:

Labcorp Genetics (formerly Invitae), Labcorp
Classification: Uncertain significance for Catecholaminergic polymorphic ventricular tachycardia 1. Last evaluated: 2021-12-09. Review status: criteria provided, single submitter. Criteria: Invitae Variant Classification Sherloc (09022015). Collection method: clinical testing. Allele origin: germline.
Comment: Advanced modeling of protein sequence and biophysical properties (such as structural, functional, and spatial information, amino acid conservation, physicochemical variation, residue mobility, and thermodynamic stability) performed at Invitae indicates that this missense variant is expected to disrupt RYR2 protein function. Algorithms developed to predict the effect of sequence changes on RNA splicing suggest that this variant may create or strengthen a splice site. In summary, the available evidence is currently insufficient to determine the role of this variant in disease. Therefore, it has been classified as a Variant of Uncertain Significance. This sequence change replaces phenylalanine, which is neutral and non-polar, with valine, which is neutral and non-polar, at codon 3835 of the RYR2 protein (p.Phe3835Val). This variant is not present in population databases (gnomAD no frequency). This variant has not been reported in the literature in individuals affected with RYR2-related conditions.